The following is an entry in ClinVar:

ClinVar aggregate classification (germline): Uncertain significance. Review status: criteria provided, multiple submitters, no conflicts (2 of 4 stars). 4 submissions from 4 submitters: Uncertain significance (3). 1 of the submissions does not count toward it. Last evaluated 2026-01-27.

Conditions:
RET-related disorder. Also called: RET-related disorders; RET-related condition; RET-related disease.
Hereditary cancer-predisposing syndrome. Also called: Neoplastic Syndromes, Hereditary; Hereditary Cancer Syndrome; Hereditary neoplastic syndrome; Tumor predisposition. Identifiers: Orphanet 140162, MedGen C0027672, MeSH D009386, MONDO:0015356.
Multiple endocrine neoplasia, type 2 (MEN2). Identifiers: Orphanet 653, MedGen C4048306, MONDO:0019003. Disease mechanism: gain of function.

Allele frequency attached by ClinVar (database versions not stated): gnomAD exomes below 0.00001; gnomAD 0.00001; TOPMed 0.00001.
gnomAD v4.1: 3 of 1,614,032 alleles (0.00019%); highest among the groups gnomAD compares: East Asian, 0.0045%; no homozygotes.

Submissions (4):

Labcorp Genetics (formerly Invitae), Labcorp
Classification: Uncertain significance for Multiple endocrine neoplasia, type 2. Last evaluated: 2026-01-27. Review status: criteria provided, single submitter. Criteria: Invitae Variant Classification Sherloc (09022015). Collection method: clinical testing. Allele origin: germline.
Comment: This sequence change replaces threonine, which is neutral and polar, with isoleucine, which is neutral and non-polar, at codon 456 of the RET protein (p.Thr456Ile). This variant is not present in population databases (gnomAD no frequency). This variant has not been reported in the literature in individuals affected with RET-related conditions. ClinVar contains an entry for this variant (Variation ID: 1419859). An algorithm developed to predict the effect of missense changes on protein structure and function (PolyPhen-2) suggests that this variant is likely to be tolerated. In summary, the available evidence is currently insufficient to determine the role of this variant in disease. Therefore, it has been classified as a Variant of Uncertain Significance.

Ambry Genetics
Classification: Uncertain significance for Hereditary cancer-predisposing syndrome. Last evaluated: 2024-10-17. Review status: criteria provided, single submitter. Criteria: Ambry Variant Classification Scheme 2023. Collection method: clinical testing. Allele origin: germline.
Comment: The p.T456I variant (also known as c.1367C>T), located in coding exon 7 of the RET gene, results from a C to T substitution at nucleotide position 1367. The threonine at codon 456 is replaced by isoleucine, an amino acid with similar properties. This amino acid position is well conserved in available vertebrate species. In addition, this alteration is predicted to be tolerated by in silico analysis. Since supporting evidence is limited at this time, the clinical significance of this alteration remains unclear.

All of Us Research Program, National Institutes of Health
Classification: Uncertain significance for Multiple endocrine neoplasia, type 2. Last evaluated: 2023-06-26. Review status: criteria provided, single submitter. Criteria: ACMG Guidelines, 2015. Collection method: clinical testing. Allele origin: germline. Inheritance: Autosomal dominant inheritance. Observed: 2 variant alleles, 2 heterozygotes.
Comment: This missense variant replaces threonine with isoleucine at codon 456 of the RET protein. Computational prediction suggests that this variant may not impact protein structure and function (internally defined REVEL score threshold <= 0.5, PMID: 27666373). To our knowledge, functional studies have not been reported for this variant. This variant has not been reported in individuals affected with RET-related disorders in the literature. This variant has not been identified in the general population by the Genome Aggregation Database (gnomAD). The available evidence is insufficient to determine the role of this variant in disease conclusively. Therefore, this variant is classified as a Variant of Uncertain Significance.

This study involves interpretation of variants in research participants for the purpose of population health screening. Participant phenotype was not available at the time of variant classification. Additional details can be found in publication PMID: 35346344, PMCID: PMC8962531

PreventionGenetics, part of Exact Sciences
Classification: Uncertain significance for RET-related condition. Last evaluated: 2024-07-26. Review status: no assertion criteria provided. Collection method: clinical testing. Allele origin: germline. Not counted in ClinVar's aggregate classification.
Comment: The RET c.1367C>T variant is predicted to result in the amino acid substitution p.Thr456Ile. To our knowledge, this variant has not been reported in the literature or in a large population database, indicating this variant is rare. This variant has been interpreted as a variant of uncertain significance in ClinVar. At this time, the clinical significance of this variant is uncertain due to the absence of conclusive functional and genetic evidence.

NM_020975.6(RET):c.1367C>T (p.Thr456Ile)

Gene: RET (ret proto-oncogene; plus strand). Cytogenetic location: 10q11.21.
Variant type: single nucleotide variant.
Coding change: c.1367C>T on transcript NM_020975.6 (MANE Select); coding-DNA position 1367, C replaced by T.
Protein change: p.Thr456Ile; replaces threonine 456 with isoleucine.
Molecular consequence: missense variant.
Genome position (GRCh38, 1-based): chr10:43,111,310, C>T. VCF-style: chr10-43111310-C-T. GRCh37 (hg19) VCF-style: chr10-43606758-C-T.
Other names: c.1367C>T, p.Thr456Ile (NM_000323.2, NM_001406743.1, NM_001406744.1 and 6 more transcripts); c.605C>T, p.Thr202Ile (NM_001355216.2); c.1238C>T, p.Thr413Ile (NM_001406761.1, NM_001406762.1, NM_001406764.1 and 1 more transcripts); c.1079C>T, p.Thr360Ile (NM_001406766.1, NM_001406767.1, NM_001406770.1); c.971C>T, p.Thr324Ile (NM_001406769.1, NM_001406772.1); c.929C>T, p.Thr310Ile (NM_001406771.1, NM_001406773.1); c.842C>T, p.Thr281Ile (NM_001406774.1); c.641C>T, p.Thr214Ile (NM_001406775.1, NM_001406776.1, NM_001406777.1 and 1 more transcripts); and 1 more; short protein forms T202I, T456I, T214I, T281I, T324I, T413I, T310I, T126I.
Identifiers: ClinVar variation 1419859 (VCV001419859.14), dbSNP rs1286634866, ClinGen allele CA376549245.